The following is an entry in ClinVar:

ClinVar aggregate classification (germline): Pathogenic. Review status: criteria provided, multiple submitters, no conflicts (2 of 4 stars). 3 submissions from 3 submitters: Pathogenic (2). 1 of the submissions does not count toward it. Last evaluated 2025-06-06.

Conditions:
3-Methylglutaconic aciduria type 2 (BTHS). Also called: Barth syndrome; CARDIOSKELETAL MYOPATHY WITH NEUTROPENIA AND ABNORMAL MITOCHONDRIA. Identifiers: Orphanet 111, MedGen C0574083, MONDO:0010543, OMIM 302060.

Submissions (3):

GeneDx
Classification: Pathogenic. Last evaluated: 2025-06-06. Review status: criteria provided, single submitter. Criteria: GeneDx Variant Classification Process June 2021. Collection method: clinical testing. Allele origin: germline. Affected: yes.
Comment: Nonsense variant predicted to result in protein truncation or nonsense mediated decay in a gene for which loss of function is a known mechanism of disease; Not observed at significant frequency in large population cohorts (gnomAD); This variant is associated with the following publications: (PMID: 23206890, 23031367)

Women's Health and Genetics/Laboratory Corporation of America, LabCorp
Classification: Pathogenic for 3-Methylglutaconic aciduria type 2. Last evaluated: 2022-01-17. Review status: criteria provided, single submitter. Criteria: LabCorp Variant Classification Summary - May 2015. Collection method: clinical testing. Allele origin: germline.
Comment: Variant summary: TAZ c.583G>T (p.Gly195X) results in a premature termination codon, predicted to cause a truncation of the encoded protein or absence of the protein due to nonsense mediated decay, which are commonly known mechanisms for disease. Truncations downstream of this position have been reported in HGMD in association with Barth Syndrome. The variant was absent in 183336 control chromosomes. c.583G>T has been reported in the literature in individuals affected with Barth Syndrome (Ronvelia_2012, Lee_2013). One publication also reports the variant to result in the skipping of 12 amino acid in the longest isoform (Lee_2013). One clinical diagnostic laboratory has submitted clinical-significance assessments for this variant to ClinVar after 2014 without evidence for independent evaluation. One laboratory classified the variant as pathogenic. Based on the evidence outlined above, the variant was classified as pathogenic.

Mayo Clinic Laboratories, Mayo Clinic
Classification: Pathogenic. Last evaluated: 2016-02-22. Review status: no assertion criteria provided. Collection method: clinical testing. Allele origin: unknown. Not counted in ClinVar's aggregate classification.

Literature cited by the submitters: PubMed 23206890 (cited by Women's Health and Genetics/Laboratory Corporation of America, LabCorp); PubMed 23031367 (cited by Women's Health and Genetics/Laboratory Corporation of America, LabCorp).

NM_000116.5(TAFAZZIN):c.583G>T (p.Gly195Ter)

Gene: TAFAZZIN (tafazzin, phospholipid-lysophospholipid transacylase; plus strand). Cytogenetic location: Xq28.
Variant type: single nucleotide variant.
Coding change: c.583G>T on transcript NM_000116.5 (MANE Select); coding-DNA position 583, G replaced by T.
Protein change: p.Gly195Ter; replaces glycine 195 with a stop codon.
Molecular consequence: nonsense. On other transcripts: non-coding transcript variant (1), intron variant (3).
Genome position (GRCh38, 1-based): chrX:154,419,746, G>T. VCF-style: chrX-154419746-G-T. GRCh37 (hg19) VCF-style: chrX-153648085-G-T.
Other names: c.493G>T, p.Gly165Ter (NM_181311.4); c.595+123G>T (NM_001303465.2); c.541+123G>T (NM_181312.4); c.451+123G>T (NM_181313.4); short protein forms G195*, G165*.
Identifiers: ClinVar variation 559336 (VCV000559336.7), dbSNP rs878853656, ClinGen allele CA415184012.
Genomic context (GRCh38, chrX:154,419,746, plus strand): 5'-CTCTGTGCTCTCTCACCAGGGAAAGTGAACATGAGTTCCGAATTCCTGCGTTTCAAGTGG[G>T]GTAAGGGCTGCTGGTCTCTGGCCACAGCCATCCTCCCGGCCCAGAGATGGCCCTGTGGGC-3'